The following is an entry in ClinVar:

NM_006226.4(PLCL1):c.833C>T (p.Ala278Val)

Gene: PLCL1 (phospholipase C like 1 (inactive); plus strand). Cytogenetic location: 2q33.1.
Variant type: single nucleotide variant.
Coding change: c.833C>T on transcript NM_006226.4 (MANE Select); coding-DNA position 833, C replaced by T.
Protein change: p.Ala278Val; replaces alanine 278 with valine.
Molecular consequence: missense variant.
Genome position (GRCh38, 1-based): chr2:198,084,350, C>T. VCF-style: chr2-198084350-C-T. GRCh37 (hg19) VCF-style: chr2-198949074-C-T.
Other names: c.833C>T, p.Ala278Val (NM_001114661.1); short protein forms A278V.
Identifiers: ClinVar variation 2651798 (VCV002651798.24), dbSNP rs61752178, ClinGen allele CA2045280.
Genomic context (GRCh38, chr2:198,084,350, plus strand): 5'-TTATGTTGGAAGACACCTCTGTAGAGTTAATAAAACAACTCAACCCTACTCTGAAGGAAG[C>T]CAAGATCAGGTTAAAGTTTAAAGAAATCCAGAAGAGCAAGGAAAAACTAACCACCCGCGT-3'
Protein context (NP_006217.3, residues 268-288): IKQLNPTLKE[Ala278Val]KIRLKFKEIQ

ClinVar aggregate classification (germline): Likely benign (1 of 4 stars; one submission).

Allele frequency attached by ClinVar (database versions not stated): 1000 Genomes Project 0.00040; 1000 Genomes Project 30x 0.00047; TOPMed 0.00190; ExAC 0.00197; gnomAD 0.00197; ESP Exome Variant Server 0.00215.
gnomAD v4.1: 4,783 of 1,613,972 alleles (0.3%); highest among the groups gnomAD compares: Non-Finnish European, 0.36%; 12 homozygotes.

Submission:

CeGaT Center for Human Genetics Tuebingen
Classification: Likely benign. Last evaluated: 2024-04-01. Review status: criteria provided, single submitter. Criteria: CeGaT Center For Human Genetics Tuebingen Variant Classification Criteria Version 2. Collection method: clinical testing. Allele origin: germline. Affected: yes. Observed: 2 variant alleles.
Comment: PLCL1: BP4